The following is an entry in ClinVar:

NM_015100.4(POGZ):c.3598A>G (p.Ser1200Gly)

Gene: POGZ (pogo transposable element derived with ZNF domain; minus strand). Cytogenetic location: 1q21.3.
Variant type: single nucleotide variant.
Coding change: c.3598A>G on transcript NM_015100.4 (MANE Select); coding-DNA position 3598, A replaced by G.
Protein change: p.Ser1200Gly; replaces serine 1200 with glycine.
Molecular consequence: missense variant.
Genome position (GRCh38, 1-based): chr1:151,405,437, T>C on the plus strand (A>G on the coding strand, the complement: POGZ is on the minus strand). VCF-style: chr1-151405437-T-C. GRCh37 (hg19) VCF-style: chr1-151377913-T-C.
Other names: c.3571A>G, p.Ser1191Gly (NM_001194937.2); c.3412A>G, p.Ser1138Gly (NM_001194938.2); c.3619A>G, p.Ser1207Gly (NM_001410860.1); c.3313A>G, p.Ser1105Gly (NM_145796.4); c.3439A>G, p.Ser1147Gly (NM_207171.2); short protein forms S1200G, S1207G, S1191G, S1105G, S1138G, S1147G.
Identifiers: ClinVar variation 1733034 (VCV001733034.25), dbSNP rs757736540, ClinGen allele CA1090932.

ClinVar aggregate classification (germline): Benign/Likely benign. Review status: criteria provided, multiple submitters, no conflicts (2 of 4 stars). 3 submissions from 3 submitters: Benign (1); Likely benign (2). Last evaluated 2025-06-01.

Conditions:
Inborn genetic diseases. Identifiers: MedGen C0950123, MeSH D030342.

Allele frequency attached by ClinVar (database versions not stated): gnomAD exomes 0.00004; gnomAD 0.00006; TOPMed 0.00006; ExAC 0.00007.
gnomAD v4.1: 73 of 1,614,120 alleles (0.0045%); highest among the groups gnomAD compares: Middle Eastern, 0.049%; no homozygotes.

Submissions (3):

CeGaT Center for Human Genetics Tuebingen
Classification: Likely benign. Last evaluated: 2025-06-01. Review status: criteria provided, single submitter. Criteria: CeGaT Center For Human Genetics Tuebingen Variant Classification Criteria Version 2. Collection method: clinical testing. Allele origin: germline. Affected: yes. Observed: 3 variant alleles.
Comment: POGZ: BP4

Blueprint Genetics
Classification: Likely benign. Last evaluated: 2023-07-18. Review status: criteria provided, single submitter. Criteria: ACMG Guidelines, 2015. Collection method: clinical testing. Allele origin: germline.

Ambry Genetics
Classification: Benign for Inborn genetic diseases. Last evaluated: 2019-07-18. Review status: criteria provided, single submitter. Criteria: Ambry Variant Classification Scheme 2023. Collection method: clinical testing. Allele origin: germline.